The following is an entry in ClinVar:

NM_012062.5(DNM1L):c.1200+9G>A

Gene: DNM1L (dynamin 1L; plus strand). Cytogenetic location: 12p11.21.
Variant type: single nucleotide variant.
Coding change: c.1200+9G>A on transcript NM_012062.5 (MANE Select); 9 bases into the intron after coding-DNA position 1200, G replaced by A.
Molecular consequence: intron variant.
Genome position (GRCh38, 1-based): chr12:32,731,143, G>A. VCF-style: chr12-32731143-G-A. GRCh37 (hg19) VCF-style: chr12-32884077-G-A.
Other names: c.1239+9G>A (NM_001278464.2, NM_001278465.2, NM_001330380.2); c.591+9G>A (NM_001278466.2); c.1200+9G>A (NM_001278463.2, NM_012063.4, NM_005690.5).
Identifiers: ClinVar variation 214302 (VCV000214302.12), dbSNP rs755263994, ClinGen allele CA319812.
Genomic context (GRCh38, chr12:32,731,143, plus strand): 5'-ACTTGGTGGCCTTAACACTATTGACATTTTGACTGCCATTAGAAATGCTACTGTGAGTAT[G>A]TTTAGCTTTTTAGACTGTAAAAAAAAATGAGGTTAAAGTTTTTCTTACCCATATACTGTG-3'

ClinVar aggregate classification (germline): Benign/Likely benign. Review status: criteria provided, multiple submitters, no conflicts (2 of 4 stars). 4 submissions from 4 submitters: Benign (1); Likely benign (2). 1 of the submissions does not count toward it. Last evaluated 2026-01-19.

Conditions:
DNM1L-related disorder. Also called: DNM1L-related condition.

Allele frequency attached by ClinVar (database versions not stated): gnomAD exomes 0.00003 and 0.00010; gnomAD 0.00004; TOPMed 0.00005; ExAC 0.00007.
gnomAD v4.1: 48 of 1,613,778 alleles (0.003%); highest among the groups gnomAD compares: Admixed American, 0.053%; 1 homozygote.

Submissions (4):

Labcorp Genetics (formerly Invitae), Labcorp
Classification: Likely benign. Last evaluated: 2026-01-19. Review status: criteria provided, single submitter. Criteria: Invitae Variant Classification Sherloc (09022015). Collection method: clinical testing. Allele origin: germline.

Blueprint Genetics
Classification: Likely benign. Last evaluated: 2024-09-09. Review status: criteria provided, single submitter. Criteria: ACMG Guidelines, 2015. Collection method: clinical testing. Allele origin: germline.

GeneDx
Classification: Benign. Last evaluated: 2014-07-31. Review status: criteria provided, single submitter. Criteria: GeneDx Variant Classification (06012015). Collection method: clinical testing. Allele origin: germline. Affected: yes.
Comment: This variant is considered likely benign or benign based on one or more of the following criteria: it is a conservative change, it occurs at a poorly conserved position in the protein, it is predicted to be benign by multiple in silico algorithms, and/or has population frequency not consistent with disease.

PreventionGenetics, part of Exact Sciences
Classification: Likely benign for DNM1L-related condition. Last evaluated: 2019-08-13. Review status: no assertion criteria provided. Collection method: clinical testing. Allele origin: germline. Not counted in ClinVar's aggregate classification.
Comment: This variant is classified as likely benign based on ACMG/AMP sequence variant interpretation guidelines (Richards et al. 2015 PMID: 25741868, with internal and published modifications).